The following is an entry in ClinVar:

ClinVar aggregate classification (germline): Uncertain significance (1 of 4 stars; one submission).

Submission:

CeGaT Center for Human Genetics Tuebingen
Classification: Uncertain significance. Last evaluated: 2026-09-01. Review status: criteria provided, single submitter. Criteria: CeGaT Center For Human Genetics Tuebingen Variant Classification Criteria Version 2. Collection method: clinical testing. Allele origin: germline. Affected: yes. Observed: 1 variant allele.
Comment: CXCR4: PM2, BP4

NM_003467.3(CXCR4):c.330G>C (p.Lys110Asn)

Gene: CXCR4 (C-X-C motif chemokine receptor 4; minus strand). Cytogenetic location: 2q22.1.
Variant type: single nucleotide variant.
Coding change: c.330G>C on transcript NM_003467.3 (MANE Select); coding-DNA position 330, G replaced by C.
Protein change: p.Lys110Asn; replaces lysine 110 with asparagine.
Molecular consequence: missense variant.
Genome position (GRCh38, 1-based): chr2:136,115,598, C>G on the plus strand (G>C on the coding strand, the complement: CXCR4 is on the minus strand). VCF-style: chr2-136115598-C-G. GRCh37 (hg19) VCF-style: chr2-136873168-C-G.
Other names: c.342G>C, p.Lys114Asn (NM_001008540.2); c.543G>C, p.Lys181Asn (NM_001348056.2); c.429G>C, p.Lys143Asn (NM_001348059.2); c.285G>C, p.Lys95Asn (NM_001348060.2); short protein forms K110N, K114N, K143N, K181N, K95N.
Identifiers: ClinVar variation 5041745 (VCV005041745.1).